The following is an entry in ClinVar:

ClinVar aggregate classification (germline): Uncertain significance (1 of 4 stars; one submission).

Submission:

GeneDx
Classification: Uncertain significance. Last evaluated: 2024-08-24. Review status: criteria provided, single submitter. Criteria: GeneDx Variant Classification Process June 2021. Collection method: clinical testing. Allele origin: germline.
Comment: Not observed at significant frequency in large population cohorts (gnomAD); In silico analysis supports that this missense variant has a deleterious effect on protein structure/function; This substitution is predicted to be within the transmembrane segment S2 of the second homologous domain; Has not been previously published as pathogenic or benign to our knowledge

NM_001165963.4(SCN1A):c.2420T>A (p.Phe807Tyr)

Gene: SCN1A (sodium voltage-gated channel alpha subunit 1; minus strand). Cytogenetic location: 2q24.3.
Variant type: single nucleotide variant.
Coding change: c.2420T>A on transcript NM_001165963.4 (MANE Select); coding-DNA position 2420, T replaced by A.
Protein change: p.Phe807Tyr; replaces phenylalanine 807 with tyrosine.
Molecular consequence: missense variant. On other transcripts: 5 prime UTR variant (1), non-coding transcript variant (1).
Genome position (GRCh38, 1-based): chr2:166,039,592, A>T on the plus strand (T>A on the coding strand, the complement: SCN1A is on the minus strand). VCF-style: chr2-166039592-A-T. GRCh37 (hg19) VCF-style: chr2-166896102-A-T.
Other names: c.2336T>A, p.Phe779Tyr (NM_001165964.3, NM_001353957.2, NM_001353958.2); c.2420T>A, p.Phe807Tyr (NM_001202435.3, NM_001353948.2); c.2387T>A, p.Phe796Tyr (NM_001353949.2, NM_001353950.2, NM_001353951.2 and 2 more transcripts); c.2384T>A, p.Phe795Tyr (NM_001353954.2, NM_001353955.2); c.2333T>A, p.Phe778Tyr (NM_001353960.2); c.-23T>A (NM_001353961.2); short protein forms F778Y, F779Y, F795Y, F796Y, F807Y.
Identifiers: ClinVar variation 2577760 (VCV002577760.2), dbSNP rs2468115866, ClinGen allele CA349062803.